The following is an entry in ClinVar:

ClinVar aggregate classification (germline): Uncertain significance (1 of 4 stars; one submission).

Allele frequency attached by ClinVar (database versions not stated): gnomAD exomes below 0.00001; TOPMed 0.00001.
gnomAD v4.1: 4 of 1,613,922 alleles (0.00025%); highest among the groups gnomAD compares: Non-Finnish European, 0.00034%; no homozygotes.

Submission:

Labcorp Genetics (formerly Invitae), Labcorp
Classification: Uncertain significance. Last evaluated: 2025-02-02. Review status: criteria provided, single submitter. Criteria: Invitae Variant Classification Sherloc (09022015). Collection method: clinical testing. Allele origin: germline.
Comment: This sequence change replaces arginine, which is basic and polar, with glutamine, which is neutral and polar, at codon 2056 of the HIVEP2 protein (p.Arg2056Gln). The frequency data for this variant in the population databases is considered unreliable, as metrics indicate poor data quality at this position in the gnomAD database. This variant has not been reported in the literature in individuals affected with HIVEP2-related conditions. ClinVar contains an entry for this variant (Variation ID: 3015442). An algorithm developed to predict the effect of missense changes on protein structure and function outputs the following: PolyPhen-2: "Benign". The glutamine amino acid residue is found in multiple mammalian species, which suggests that this missense change does not adversely affect protein function. In summary, the available evidence is currently insufficient to determine the role of this variant in disease. Therefore, it has been classified as a Variant of Uncertain Significance.

NM_006734.4(HIVEP2):c.6167G>A (p.Arg2056Gln)

Gene: HIVEP2 (HIVEP zinc finger 2; minus strand). Cytogenetic location: 6q24.2.
Variant type: single nucleotide variant.
Coding change: c.6167G>A on transcript NM_006734.4 (MANE Select); coding-DNA position 6167, G replaced by A.
Protein change: p.Arg2056Gln; replaces arginine 2056 with glutamine.
Molecular consequence: missense variant.
Genome position (GRCh38, 1-based): chr6:142,760,121, C>T on the plus strand (G>A on the coding strand, the complement: HIVEP2 is on the minus strand). VCF-style: chr6-142760121-C-T. GRCh37 (hg19) VCF-style: chr6-143081258-C-T.
Other names: short protein forms R2056Q.
Identifiers: ClinVar variation 3015442 (VCV003015442.3), dbSNP rs183513226, ClinGen allele CA4027727.